The following is an entry in ClinVar:

NM_001018113.3(FANCB):c.662A>G (p.Glu221Gly)

Gene: FANCB (FA complementation group B; minus strand). Cytogenetic location: Xp22.2.
Variant type: single nucleotide variant.
Coding change: c.662A>G on transcript NM_001018113.3 (MANE Select); coding-DNA position 662, A replaced by G.
Protein change: p.Glu221Gly; replaces glutamic acid 221 with glycine.
Molecular consequence: missense variant.
Genome position (GRCh38, 1-based): chrX:14,864,849, T>C on the plus strand (A>G on the coding strand, the complement: FANCB is on the minus strand). VCF-style: chrX-14864849-T-C. GRCh37 (hg19) VCF-style: chrX-14882971-T-C.
Other names: c.662A>G, p.Glu221Gly (NM_001324162.2, NM_152633.4); short protein forms E221G.
Identifiers: ClinVar variation 1517629 (VCV001517629.8), dbSNP rs1265222877, ClinGen allele CA412443993.

ClinVar aggregate classification (germline): Uncertain significance (1 of 4 stars; one submission).

Conditions:
Fanconi anemia (FA). Also called: Fanconi's anemia. Identifiers: Orphanet 84, MedGen C0015625, MeSH D005199, MONDO:0019391.

Allele frequency attached by ClinVar (database versions not stated): gnomAD exomes 0.00001.

Submission:

Labcorp Genetics (formerly Invitae), Labcorp
Classification: Uncertain significance for Fanconi anemia. Last evaluated: 2020-12-20. Review status: criteria provided, single submitter. Criteria: Invitae Variant Classification Sherloc (09022015). Collection method: clinical testing. Allele origin: germline.
Comment: In summary, the available evidence is currently insufficient to determine the role of this variant in disease. Therefore, it has been classified as a Variant of Uncertain Significance. Algorithms developed to predict the effect of missense changes on protein structure and function are either unavailable or do not agree on the potential impact of this missense change (SIFT: "Tolerated"; PolyPhen-2: "Possibly Damaging"; Align-GVGD: "Class C0"). This variant has not been reported in the literature in individuals with FANCB-related conditions. This variant is not present in population databases (ExAC no frequency). This sequence change replaces glutamic acid with glycine at codon 221 of the FANCB protein (p.Glu221Gly). The glutamic acid residue is moderately conserved and there is a moderate physicochemical difference between glutamic acid and glycine.